The following is an entry in ClinVar:

ClinVar aggregate classification (germline): Likely pathogenic (1 of 4 stars; one submission).

Conditions:
Hereditary cancer-predisposing syndrome. Also called: Neoplastic Syndromes, Hereditary; Tumor predisposition; Hereditary Cancer Syndrome; Hereditary neoplastic syndrome. Identifiers: Orphanet 140162, MedGen C0027672, MeSH D009386, MONDO:0015356.

Submission:

Ambry Genetics
Classification: Likely pathogenic for Hereditary cancer-predisposing syndrome. Last evaluated: 2026-01-12. Review status: criteria provided, single submitter. Criteria: Ambry Variant Classification Scheme 2023. Collection method: clinical testing. Allele origin: germline.
Comment: The c.7788+27_7788+28insL1 variant results from the insertion of a LINE-1 element in intron 51 of the ATM gene. Mobile element insertions contribute to pathogenicity by either disrupting the coding sequence or inducing aberrant splicing (Belancio VP et al. Semin. Cancer Biol. 2010 Aug;20:200-10; Deininger P et al. Genome Biol. 2011 Dec;12:236; van der Klift HM Hum Mutat. 2012 Jul;33(7):1051-5). RNA studies have demonstrated that this alteration results in abnormal splicing in the set of samples tested (Ambry internal data). Based on the majority of available evidence to date, this variant is likely to be pathogenic.

NM_000051.3:c.7788+27_7788+28insL1

Gene: ATM (ATM serine/threonine kinase; plus strand).
Variant type: Insertion.
Identifiers: ClinVar variation 4843912 (VCV004843912.1).